The following is an entry in ClinVar:

ClinVar aggregate classification (germline): Pathogenic (1 of 4 stars; one submission).

Conditions:
Simpson-Golabi-Behmel syndrome type 1 (SGBS1). Also called: GPC3-Related Simpson-Golabi-Behmel Syndrome Type 1; DYSPLASIA GIGANTISM SYNDROME, X-LINKED; GOLABI-ROSEN SYNDROME; SIMPSON DYSMORPHIA SYNDROME; BULLDOG SYNDROME. Identifiers: Orphanet 373, MedGen C0796154, MONDO:0020602, OMIM 312870.

Submission:

Juno Genomics, Hangzhou Juno Genomics, Inc
Classification: Pathogenic for Simpson-Golabi-Behmel syndrome type 1. Review status: criteria provided, single submitter. Criteria: ACMG Guidelines, 2015. Collection method: clinical testing. Allele origin: germline. Affected: yes.
Comment: Absent from controls (or at extremely low frequency if recessive) in Genome Aggregation Database.;Null variant in a gene where loss of function (LOF) is a known mechanism of disease.;Patient's phenotype or family history is highly specific for a disease with a single genetic etiology.

NM_004484.4(GPC3):c.739A>T (p.Lys247Ter)

Gene: GPC3 (glypican 3; minus strand). Cytogenetic location: Xq26.2.
Variant type: single nucleotide variant.
Coding change: c.739A>T on transcript NM_004484.4 (MANE Select); coding-DNA position 739, A replaced by T.
Protein change: p.Lys247Ter; replaces lysine 247 with a stop codon.
Molecular consequence: nonsense.
Genome position (GRCh38, 1-based): chrX:133,753,775, T>A on the plus strand (A>T on the coding strand, the complement: GPC3 is on the minus strand). VCF-style: chrX-133753775-T-A. GRCh37 (hg19) VCF-style: chrX-132887802-T-A.
Other names: c.739A>T, p.Lys247Ter (NM_001164617.2); c.691A>T, p.Lys231Ter (NM_001164618.2); c.577A>T, p.Lys193Ter (NM_001164619.2); short protein forms K193*, K231*, K247*.
Identifiers: ClinVar variation 5018706 (VCV005018706.1).